The following is an entry in ClinVar:

ClinVar aggregate classification (germline): Uncertain significance. Review status: criteria provided, multiple submitters, no conflicts (2 of 4 stars). 2 submissions from 2 submitters: Uncertain significance (2). Last evaluated 2024-07-30.

Conditions:
RASopathy. Also called: rasopathies; Noonan spectrum disorder. Identifiers: Orphanet 536391, MedGen C5555857, MONDO:0021060.

Allele frequency attached by ClinVar (database versions not stated): gnomAD exomes below 0.00001; ExAC 0.00001; gnomAD 0.00001; TOPMed 0.00001.

Submissions (2):

Labcorp Genetics (formerly Invitae), Labcorp
Classification: Uncertain significance for RASopathy. Last evaluated: 2024-07-30. Review status: criteria provided, single submitter. Criteria: Invitae Variant Classification Sherloc (09022015). Collection method: clinical testing. Allele origin: germline.
Comment: This sequence change replaces glycine, which is neutral and non-polar, with aspartic acid, which is acidic and polar, at codon 14 of the RAF1 protein (p.Gly14Asp). This variant is present in population databases (rs757333753, gnomAD 0.0009%). This variant has not been reported in the literature in individuals affected with RAF1-related conditions. ClinVar contains an entry for this variant (Variation ID: 411096). Advanced modeling of protein sequence and biophysical properties (such as structural, functional, and spatial information, amino acid conservation, physicochemical variation, residue mobility, and thermodynamic stability) performed at Invitae indicates that this missense variant is expected to disrupt RAF1 protein function with a positive predictive value of 95%. In summary, the available evidence is currently insufficient to determine the role of this variant in disease. Therefore, it has been classified as a Variant of Uncertain Significance.

GeneDx
Classification: Uncertain significance. Last evaluated: 2022-09-30. Review status: criteria provided, single submitter. Criteria: GeneDx Variant Classification Process June 2021. Collection method: clinical testing. Allele origin: germline. Affected: yes.
Comment: Has not been previously published as pathogenic or benign to our knowledge; Missense variants in this gene are often considered pathogenic (HGMD); In silico analysis supports that this missense variant does not alter protein structure/function

NM_002880.4(RAF1):c.41G>A (p.Gly14Asp)

Gene: RAF1 (Raf-1 proto-oncogene, serine/threonine kinase; minus strand). Cytogenetic location: 3p25.2.
Variant type: single nucleotide variant.
Coding change: c.41G>A on transcript NM_002880.4 (MANE Select); coding-DNA position 41, G replaced by A.
Protein change: p.Gly14Asp; replaces glycine 14 with aspartic acid.
Molecular consequence: missense variant. On other transcripts: 5 prime UTR variant (4), non-coding transcript variant (3).
Genome position (GRCh38, 1-based): chr3:12,618,681, C>T on the plus strand (G>A on the coding strand, the complement: RAF1 is on the minus strand). VCF-style: chr3-12618681-C-T. GRCh37 (hg19) VCF-style: chr3-12660180-C-T.
Other names: c.41G>A, p.Gly14Asp (NM_001354689.3, NM_001354690.3, NM_001354693.3); c.-90G>A (NM_001354691.3, NM_001354692.3, NM_001354694.3 and 1 more transcripts); short protein forms G14D.
Identifiers: ClinVar variation 411096 (VCV000411096.9), dbSNP rs757333753, ClinGen allele CA2259848.
Genomic context (GRCh38, chr3:12,618,681, plus strand): 5'-TGAACTATTGTAGGAGAGATGCAGCTGGAGCCATCAAACACGGCATCTTTGAATCCAAAA[C>T]CATTGCTGATCGTCTTCCAAGCTCCCTGTATGTGCTCCATTGATGCAGCTTAAACAATTC-3'
Protein context (NP_002871.1, residues 4-24): IQGAWKTISN[Gly14Asp]FGFKDAVFDG